The following is an entry in ClinVar:

ClinVar aggregate classification (germline): Uncertain significance (1 of 4 stars; one submission).

Conditions:
Ventriculomegaly and arthrogryposis. Identifiers: MedGen C5561973, MONDO:0859184, OMIM 619501.

gnomAD v4.1: 1 of 1,600,586 alleles (0.000062%); highest among the groups gnomAD compares: Non-Finnish European, 0.000085%; no homozygotes.

Submission:

3billion
Classification: Uncertain significance for Ventriculomegaly and arthrogryposis. Last evaluated: 2025-08-26. Review status: criteria provided, single submitter. Criteria: ACMG Guidelines, 2015. Collection method: clinical testing. Allele origin: germline. Affected: yes.
Comment: The variant is observed at an extremely low frequency in the gnomAD v4.1.0 dataset (total allele frequency: <0.001%). Predicted Consequence/Location: Missense variant. The majority of the known disease-causing variants of this gene are variants expected to result in premature termination of the protein. In silico tools predict the variant to alter splicing and produce an abnormal transcript [SpliceAI: 0.81 (>=0.2, moderate evidence for spliceogenicity)]. Therefore, this variant is classified as VUS according to the recommendation of ACMG/AMP guideline.

NM_020738.4(KIDINS220):c.3190G>T (p.Asp1064Tyr)

Gene: KIDINS220 (kinase D interacting substrate 220; minus strand). Cytogenetic location: 2p25.1.
Variant type: single nucleotide variant.
Coding change: c.3190G>T on transcript NM_020738.4 (MANE Select); coding-DNA position 3190, G replaced by T.
Protein change: p.Asp1064Tyr; replaces aspartic acid 1064 with tyrosine.
Molecular consequence: missense variant. On other transcripts: non-coding transcript variant (2).
Genome position (GRCh38, 1-based): chr2:8,751,466, C>A on the plus strand (G>T on the coding strand, the complement: KIDINS220 is on the minus strand). VCF-style: chr2-8751466-C-A. GRCh37 (hg19) VCF-style: chr2-8891596-C-A.
Other names: c.3193G>T, p.Asp1065Tyr (NM_001348729.2, NM_001348731.2, NM_001348734.2 and 2 more transcripts); c.3190G>T, p.Asp1064Tyr (NM_001348732.2, NM_001348735.2, NM_001348738.2 and 3 more transcripts); c.3064G>T, p.Asp1022Tyr (NM_001348736.2); short protein forms D1022Y, D1064Y, D1065Y.
Identifiers: ClinVar variation 4855073 (VCV004855073.1).